The following is an entry in ClinVar:

NM_018129.4(PNPO):c.205G>A (p.Ala69Thr)

Gene: PNPO (pyridoxamine 5'-phosphate oxidase; plus strand). Cytogenetic location: 17q21.32.
Variant type: single nucleotide variant.
Coding change: c.205G>A on transcript NM_018129.4 (MANE Select); coding-DNA position 205, G replaced by A.
Protein change: p.Ala69Thr; replaces alanine 69 with threonine.
Molecular consequence: missense variant.
Genome position (GRCh38, 1-based): chr17:47,943,372, G>A. VCF-style: chr17-47943372-G-A. GRCh37 (hg19) VCF-style: chr17-46020738-G-A.
Other names: short protein forms A69T.
Identifiers: ClinVar variation 1407866 (VCV001407866.8), dbSNP rs1294398642, ClinGen allele CA400056277.

ClinVar aggregate classification (germline): Uncertain significance (1 of 4 stars; one submission).

Conditions:
Pyridoxal phosphate-responsive seizures (PNPOD). Also called: Pyridoxine-5'-phosphate oxidase deficiency; Pyridoxal 5'-Phosphate (PLP)-Dependent Epilepsy; EPILEPTIC ENCEPHALOPATHY, NEONATAL, PNPO-RELATED; SEIZURES, PYRIDOXINE-RESISTANT, PLP-SENSITIVE; Pyridoxamine 5-Prime-Phosphate Oxidase Deficiency. Identifiers: Orphanet 79096, MedGen C1864723, MONDO:0012407, OMIM 610090. Disease mechanism: loss of function.

Allele frequency attached by ClinVar (database versions not stated): gnomAD exomes below 0.00001; TOPMed below 0.00001; gnomAD 0.00001.

Submission:

Labcorp Genetics (formerly Invitae), Labcorp
Classification: Uncertain significance for Pyridoxal phosphate-responsive seizures. Last evaluated: 2022-09-01. Review status: criteria provided, single submitter. Criteria: Invitae Variant Classification Sherloc (09022015). Collection method: clinical testing. Allele origin: germline.
Comment: Algorithms developed to predict the effect of missense changes on protein structure and function are either unavailable or do not agree on the potential impact of this missense change (SIFT: "Tolerated"; PolyPhen-2: "Probably Damaging"; Align-GVGD: "Class C0"). This sequence change replaces alanine, which is neutral and non-polar, with threonine, which is neutral and polar, at codon 69 of the PNPO protein (p.Ala69Thr). This variant is present in population databases (no rsID available, gnomAD 0.01%). This variant has not been reported in the literature in individuals affected with PNPO-related conditions. ClinVar contains an entry for this variant (Variation ID: 1407866). In summary, the available evidence is currently insufficient to determine the role of this variant in disease. Therefore, it has been classified as a Variant of Uncertain Significance.